The following is an entry in ClinVar:

NM_145290.4(ADGRA3):c.2093A>T (p.Asp698Val)

Gene: ADGRA3 (adhesion G protein-coupled receptor A3; minus strand). Cytogenetic location: 4p15.2.
Variant type: single nucleotide variant.
Coding change: c.2093A>T on transcript NM_145290.4 (MANE Select); coding-DNA position 2093, A replaced by T.
Protein change: p.Asp698Val; replaces aspartic acid 698 with valine.
Molecular consequence: missense variant.
Genome position (GRCh38, 1-based): chr4:22,413,321, T>A on the plus strand (A>T on the coding strand, the complement: ADGRA3 is on the minus strand). VCF-style: chr4-22413321-T-A. GRCh37 (hg19) VCF-style: chr4-22414944-T-A.
Other names: short protein forms D698V.
Identifiers: ClinVar variation 3684694 (VCV003684694.2).

ClinVar aggregate classification (germline): Uncertain significance (1 of 4 stars; one submission).

Submission:

Labcorp Genetics (formerly Invitae), Labcorp
Classification: Uncertain significance. Last evaluated: 2024-08-12. Review status: criteria provided, single submitter. Criteria: Invitae Variant Classification Sherloc (09022015). Collection method: clinical testing. Allele origin: germline.
Comment: This sequence change replaces aspartic acid, which is acidic and polar, with valine, which is neutral and non-polar, at codon 698 of the ADGRA3 protein (p.Asp698Val). This variant is not present in population databases (gnomAD no frequency). This variant has not been reported in the literature in individuals affected with ADGRA3-related conditions. An algorithm developed to predict the effect of missense changes on protein structure and function (PolyPhen-2) suggests that this variant is likely to be disruptive. In summary, the available evidence is currently insufficient to determine the role of this variant in disease. Therefore, it has been classified as a Variant of Uncertain Significance.